The following is an entry in ClinVar:

NM_020877.5(DNAH2):c.10563T>C (p.Ile3521=)

Gene: DNAH2 (dynein axonemal heavy chain 2; plus strand). Cytogenetic location: 17p13.1.
Variant type: single nucleotide variant.
Coding change: c.10563T>C on transcript NM_020877.5 (MANE Select); coding-DNA position 10563, T replaced by C.
Protein change: p.Ile3521=; no amino-acid change (isoleucine 3521 retained).
Molecular consequence: synonymous variant.
Genome position (GRCh38, 1-based): chr17:7,818,669, T>C. VCF-style: chr17-7818669-T-C. GRCh37 (hg19) VCF-style: chr17-7721987-T-C.
Identifiers: ClinVar variation 2647387 (VCV002647387.24), dbSNP rs139564557, ClinGen allele CA8359165.

ClinVar aggregate classification (germline): Likely benign (1 of 4 stars; one submission).

Allele frequency attached by ClinVar (database versions not stated): gnomAD exomes 0.00004; ExAC 0.00009; ESP Exome Variant Server 0.00046; TOPMed 0.00046; 1000 Genomes Project 30x 0.00047; gnomAD 0.00050; 1000 Genomes Project 0.00060.
gnomAD v4.1: 140 of 1,613,992 alleles (0.0087%); highest among the groups gnomAD compares: African/African-American, 0.18%; no homozygotes.

Submission:

CeGaT Center for Human Genetics Tuebingen
Classification: Likely benign. Last evaluated: 2023-05-01. Review status: criteria provided, single submitter. Criteria: CeGaT Center For Human Genetics Tuebingen Variant Classification Criteria Version 2. Collection method: clinical testing. Allele origin: germline. Affected: yes. Observed: 1 variant allele.
Comment: DNAH2: BP4, BP7